The following is an entry in ClinVar:

NM_000352.6(ABCC8):c.508T>G (p.Cys170Gly)

Gene: ABCC8 (ATP binding cassette subfamily C member 8; minus strand). Cytogenetic location: 11p15.1.
Variant type: single nucleotide variant.
Coding change: c.508T>G on transcript NM_000352.6 (MANE Select); coding-DNA position 508, T replaced by G.
Protein change: p.Cys170Gly; replaces cysteine 170 with glycine.
Molecular consequence: missense variant. On other transcripts: non-coding transcript variant (1).
Genome position (GRCh38, 1-based): chr11:17,463,509, A>C on the plus strand (T>G on the coding strand, the complement: ABCC8 is on the minus strand). VCF-style: chr11-17463509-A-C. GRCh37 (hg19) VCF-style: chr11-17485056-A-C.
Other names: c.508T>G, p.Cys170Gly (NM_001287174.3, NM_001351295.2, NM_001351296.2 and 1 more transcripts); short protein forms C170G.
Identifiers: ClinVar variation 991064 (VCV000991064.3), dbSNP rs1847954058, ClinGen allele CA379779996.
Genomic context (GRCh38, chr11:17,463,509, plus strand): 5'-TGACATTGACCTCCACGAGGAGCAGCATCCCATAGAGGATCACCAGCAGCCCTGTGAGGC[A>C]GAAGCGTAGCTGCGAGAAGCCGATGGCGTGGTCCAAGAACTTGACAAACTTGATGGTCTT-3'
Protein context (NP_000343.2, residues 160-180): HAIGFSQLRF[Cys170Gly]LTGLLVILYG

ClinVar aggregate classification (germline): Uncertain significance. Review status: criteria provided, single submitter (1 of 4 stars). 3 submissions from 2 submitters: Uncertain significance (2). 1 of the submissions does not count toward it.

Conditions:
Transitory neonatal diabetes mellitus. Also called: Transient neonatal diabetes mellitus. Identifiers: MedGen C0342273, MONDO:0020525, HP:0008255.
Maturity-onset diabetes of the young (MODY). Also called: Maturity onset diabetes mellitus in young. Identifiers: Orphanet 552, MedGen C0342276, MONDO:0018911, HP:0004904.
Hereditary hyperinsulinism.

Submissions (3):

Clinical Genomics, Uppaluri K&H Personalized Medicine Clinic
Classification: Uncertain significance for Maturity-onset diabetes of the young. Review status: criteria provided, single submitter. Criteria: K & H Uppaluri Personalized Medicine Clinic Variant Classification & Assertion Criteria_Updated V.1. Collection method: research. Allele origin: unknown. Inheritance: Somatic mutation.
Comment: Mutations in ABCC8 gene are associated with both neonatal diabetes mellitus as well as MODY. Patients with this mutation may have a better response to sulfonylureas. However, no sufficient evidence is found to ascertain the role of this particular variant ( rs1847954058) in MODY yet.

Clinical Genomics, Uppaluri K&H Personalized Medicine Clinic
Classification: Uncertain significance for Transitory neonatal diabetes mellitus. Review status: criteria provided, single submitter. Criteria: K & H Uppaluri Personalized Medicine Clinic Variant Classification & Assertion Criteria_Updated V.1. Collection method: research. Allele origin: unknown. Inheritance: Somatic mutation.
Comment: Mutations in ABCC8 gene are associated with both neonatal diabetes mellitus as well as MODY. Patients with this mutation may have a better response to sulfonylureas. However, no sufficient evidence is found to ascertain the role of this particular variant ( rs1847954058) in neonatal diabetes yet.

Natera, Inc.
Classification: Uncertain significance for Hereditary hyperinsulinism. Last evaluated: 2020-04-10. Review status: no assertion criteria provided. Collection method: clinical testing. Allele origin: germline. Not counted in ClinVar's aggregate classification.

Literature cited by the submitters: PubMed 16885549 (cited by Clinical Genomics, Uppaluri K&H Personalized Medicine Clinic); PubMed 21989597 (cited by Clinical Genomics, Uppaluri K&H Personalized Medicine Clinic); PubMed 27538677 (cited by Clinical Genomics, Uppaluri K&H Personalized Medicine Clinic); PubMed 18981553 (cited by Clinical Genomics, Uppaluri K&H Personalized Medicine Clinic); PubMed 32027066 (cited by Clinical Genomics, Uppaluri K&H Personalized Medicine Clinic); PubMed 16613899 (cited by Clinical Genomics, Uppaluri K&H Personalized Medicine Clinic); PubMed 18025408 (cited by Clinical Genomics, Uppaluri K&H Personalized Medicine Clinic); PubMed 32792356 (cited by Clinical Genomics, Uppaluri K&H Personalized Medicine Clinic).